The following is an entry in ClinVar:

ClinVar aggregate classification (germline): Uncertain significance (1 of 4 stars; one submission).

Conditions:
Char syndrome (CHAR). Also called: PATENT DUCTUS ARTERIOSUS WITH FACIAL DYSMORPHISM AND ABNORMAL FIFTH DIGITS. Identifiers: Orphanet 46627, MedGen C1868570, MONDO:0008209, OMIM 169100.

Submission:

3billion
Classification: Uncertain significance for Char syndrome. Review status: criteria provided, single submitter. Criteria: ACMG Guidelines, 2015. Collection method: clinical testing. Allele origin: unknown. Affected: yes. Observed: 1 heterozygote.
Comment: The variant is not observed in the gnomAD v2.1.1 dataset. Missense changes are a common disease-causing mechanism. In silico tool predictions suggest damaging effect of the variant on gene or gene product (REVEL: 0.84; 3Cnet: 0.51). Therefore, this variant is classified as Uncertain significance according to the recommendation of ACMG/AMP guideline.

NM_003221.4(TFAP2B):c.805G>A (p.Gly269Ser)

Gene: TFAP2B (transcription factor AP-2 beta; plus strand). Cytogenetic location: 6p12.3.
Variant type: single nucleotide variant.
Coding change: c.805G>A on transcript NM_003221.4 (MANE Select); coding-DNA position 805, G replaced by A.
Protein change: p.Gly269Ser; replaces glycine 269 with serine.
Molecular consequence: missense variant.
Genome position (GRCh38, 1-based): chr6:50,836,264, G>A. VCF-style: chr6-50836264-G-A. GRCh37 (hg19) VCF-style: chr6-50803977-G-A.
Other names: short protein forms G269S.
Identifiers: ClinVar variation 2572520 (VCV002572520.1), dbSNP rs2533143674, ClinGen allele CA364415079.